The following is an entry in ClinVar:

NM_001128840.3(CACNA1D):c.2193C>G (p.Tyr731Ter)

Gene: CACNA1D (calcium voltage-gated channel subunit alpha1 D; plus strand). Cytogenetic location: 3p21.1.
Variant type: single nucleotide variant.
Coding change: c.2193C>G on transcript NM_001128840.3 (MANE Select); coding-DNA position 2193, C replaced by G.
Protein change: p.Tyr731Ter; replaces tyrosine 731 with a stop codon.
Molecular consequence: nonsense.
Genome position (GRCh38, 1-based): chr3:53,726,971, C>G. VCF-style: chr3-53726971-C-G. GRCh37 (hg19) VCF-style: chr3-53760998-C-G.
Other names: c.2253C>G, p.Tyr751Ter (NM_000720.4); c.2193C>G, p.Tyr731Ter (NM_001128839.3); short protein forms Y751*, Y731*.
Identifiers: ClinVar variation 3728071 (VCV003728071.2).
Genomic context (GRCh38, chr3:53,726,971, plus strand): 5'-GTACGATGGCATCATGGCTTACGGGGGCCCATCCTCTTCAGGAATGATCGTCTGCATCTA[C>G]TTCATCATCCTCTTCATTTGTGGTAACTGTATCCTTCAAGCCGACCAGGCTTTGTTGTTG-3'

ClinVar aggregate classification (germline): Uncertain significance (1 of 4 stars; one submission).

Submission:

Labcorp Genetics (formerly Invitae), Labcorp
Classification: Uncertain significance. Last evaluated: 2024-12-25. Review status: criteria provided, single submitter. Criteria: Invitae Variant Classification Sherloc (09022015). Collection method: clinical testing. Allele origin: germline.
Comment: This sequence change creates a premature translational stop signal (p.Tyr751*) in the CACNA1D gene. It is expected to result in an absent or disrupted protein product. However, the current clinical and genetic evidence is not sufficient to establish whether loss-of-function variants in CACNA1D cause disease. This variant is not present in population databases (gnomAD no frequency). This variant has not been reported in the literature in individuals affected with CACNA1D-related conditions. In summary, the available evidence is currently insufficient to determine the role of this variant in disease. Therefore, it has been classified as a Variant of Uncertain Significance.